The following is an entry in ClinVar:

ClinVar aggregate classification (germline): Uncertain significance (1 of 4 stars; one submission).

Conditions:
Hereditary sensory and autonomic neuropathy type 6. Also called: HSAN VI; Neuropathy, hereditary sensory and autonomic, type VI. Identifiers: Orphanet 314381, MedGen C3539003, MONDO:0013839, OMIM 614653.
Epidermolysis bullosa simplex 3, localized or generalized intermediate, with BP230 deficiency (EBS3). Also called: Epidermolysis bullosa simplex, autosomal recessive 2; Epidermolysis bullosa simplex due to BP230 deficiency. Identifiers: Orphanet 412181, MedGen C3809470, MONDO:0014180, OMIM 615425.

Allele frequency attached by ClinVar (database versions not stated): TOPMed 0.00002; gnomAD exomes 0.00003.
gnomAD v4.1: 46 of 1,598,552 alleles (0.0029%); highest among the groups gnomAD compares: Non-Finnish European, 0.0039%; no homozygotes.

Submission:

Labcorp Genetics (formerly Invitae), Labcorp
Classification: Uncertain significance for Epidermolysis bullosa simplex 3, localized or generalized intermediate, with BP230 deficiency; Hereditary sensory and autonomic neuropathy type 6. Last evaluated: 2021-10-05. Review status: criteria provided, single submitter. Criteria: Invitae Variant Classification Sherloc (09022015). Collection method: clinical testing. Allele origin: germline.
Comment: This variant is not present in population databases (ExAC no frequency). In summary, the available evidence is currently insufficient to determine the role of this variant in disease. Therefore, it has been classified as a Variant of Uncertain Significance. Experimental studies and prediction algorithms are not available or were not evaluated, and the functional significance of this variant is currently unknown. This variant has not been reported in the literature in individuals affected with DST-related conditions. This sequence change replaces glutamic acid with glycine at codon 2286 of the DST protein (p.Glu2286Gly). The DST gene has multiple clinically relevant transcripts. This variant occurs in alternate transcript NM_015548.4, and corresponds to NM_001723.5:c.*59762A>G in the primary transcript.

NM_001374736.1(DST):c.14726A>G (p.Glu4909Gly)

Gene: DST (dystonin; minus strand). Cytogenetic location: 6p12.1.
Variant type: single nucleotide variant.
Coding change: c.14726A>G on transcript NM_001374736.1 (MANE Select); coding-DNA position 14726, A replaced by G.
Protein change: p.Glu4909Gly; replaces glutamic acid 4909 with glycine.
Molecular consequence: missense variant.
Genome position (GRCh38, 1-based): chr6:56,555,755, T>C on the plus strand (A>G on the coding strand, the complement: DST is on the minus strand). VCF-style: chr6-56555755-T-C. GRCh37 (hg19) VCF-style: chr6-56420553-T-C.
Other names: c.8369A>G, p.Glu2790Gly (NM_001144769.5); c.7955A>G, p.Glu2652Gly (NM_001144770.2); c.14726A>G, p.Glu4909Gly (NM_001374722.1); c.14093A>G, p.Glu4698Gly (NM_001374729.1); c.7835A>G, p.Glu2612Gly (NM_001374730.1, NM_001386100.1, NM_183380.4); c.14753A>G, p.Glu4918Gly (NM_001374734.1); c.6857A>G, p.Glu2286Gly (NM_015548.5); short protein forms E4698G, E4918G, E2652G, E2286G, E2612G, E2790G, E4909G.
Identifiers: ClinVar variation 1381368 (VCV001381368.6), dbSNP rs781119254, ClinGen allele CA139207571.